The following is an entry in ClinVar:

ClinVar aggregate classification (germline): Uncertain significance (1 of 4 stars; one submission).

Submission:

Labcorp Genetics (formerly Invitae), Labcorp
Classification: Uncertain significance. Last evaluated: 2021-09-18. Review status: criteria provided, single submitter. Criteria: Invitae Variant Classification Sherloc (09022015). Collection method: clinical testing. Allele origin: germline.
Comment: This sequence change replaces glutamine with proline at codon 1488 of the LCT protein (p.Gln1488Pro). The glutamine residue is moderately conserved and there is a moderate physicochemical difference between glutamine and proline. This variant is not present in population databases (ExAC no frequency). This variant has not been reported in the literature in individuals affected with LCT-related conditions. Algorithms developed to predict the effect of missense changes on protein structure and function are either unavailable or do not agree on the potential impact of this missense change (SIFT: "Not Available"; PolyPhen-2: "Probably Damaging"; Align-GVGD: "Not Available"). In summary, the available evidence is currently insufficient to determine the role of this variant in disease. Therefore, it has been classified as a Variant of Uncertain Significance.

NM_002299.4(LCT):c.4463A>C (p.Gln1488Pro)

Gene: LCT (lactase; minus strand). Cytogenetic location: 2q21.3.
Variant type: single nucleotide variant.
Coding change: c.4463A>C on transcript NM_002299.4 (MANE Select); coding-DNA position 4463, A replaced by C.
Protein change: p.Gln1488Pro; replaces glutamine 1488 with proline.
Molecular consequence: missense variant.
Genome position (GRCh38, 1-based): chr2:135,804,768, T>G on the plus strand (A>C on the coding strand, the complement: LCT is on the minus strand). VCF-style: chr2-135804768-T-G. GRCh37 (hg19) VCF-style: chr2-136562338-T-G.
Other names: short protein forms Q1488P.
Identifiers: ClinVar variation 1472794 (VCV001472794.6), dbSNP rs2105528970, ClinGen allele CA348595506.